The following is an entry in ClinVar:

NM_005477.3(HCN4):c.274G>A (p.Asp92Asn)

Gene: HCN4 (hyperpolarization activated cyclic nucleotide gated potassium channel 4; minus strand). Cytogenetic location: 15q24.1.
Variant type: single nucleotide variant.
Coding change: c.274G>A on transcript NM_005477.3 (MANE Select); coding-DNA position 274, G replaced by A.
Protein change: p.Asp92Asn; replaces aspartic acid 92 with asparagine.
Molecular consequence: missense variant.
Genome position (GRCh38, 1-based): chr15:73,367,997, C>T on the plus strand (G>A on the coding strand, the complement: HCN4 is on the minus strand). VCF-style: chr15-73367997-C-T. GRCh37 (hg19) VCF-style: chr15-73660338-C-T.
Other names: short protein forms D92N.
Identifiers: ClinVar variation 1473796 (VCV001473796.6), dbSNP rs2151228629, ClinGen allele CA393098523.
Genomic context (GRCh38, chr15:73,367,997, plus strand): 5'-CGCCGCTGCCGCCGCCCCGGCTGCCCAGCGAGGCCAGGCTCCCGCGGAAGCGCCTGCAGT[C>T]GCCGTTCGTGCTGGACTTGCCCGCGCCGCGGGCCGGCCCTTCGCTGTCCGCTGCCCCGAG-3'
Protein context (NP_005468.1, residues 82-102): RGAGKSSTNG[Asp92Asn]CRRFRGSLAS

ClinVar aggregate classification (germline): Uncertain significance (1 of 4 stars; one submission).

Conditions:
Brugada syndrome 8 (BRGDA8). Identifiers: Orphanet 130, MedGen C2751083, MONDO:0013148, OMIM 613123.

gnomAD v4.1: 1 of 1,367,552 alleles (0.000073%); highest among the groups gnomAD compares: Non-Finnish European, 0.000094%; no homozygotes.

Submission:

Labcorp Genetics (formerly Invitae), Labcorp
Classification: Uncertain significance for Brugada syndrome 8. Last evaluated: 2022-03-18. Review status: criteria provided, single submitter. Criteria: Invitae Variant Classification Sherloc (09022015). Collection method: clinical testing. Allele origin: germline.
Comment: This sequence change replaces aspartic acid, which is acidic and polar, with asparagine, which is neutral and polar, at codon 92 of the HCN4 protein (p.Asp92Asn). This variant is not present in population databases (gnomAD no frequency). This variant has not been reported in the literature in individuals affected with HCN4-related conditions. Advanced modeling of protein sequence and biophysical properties (such as structural, functional, and spatial information, amino acid conservation, physicochemical variation, residue mobility, and thermodynamic stability) performed at Invitae indicates that this missense variant is not expected to disrupt HCN4 protein function. In summary, the available evidence is currently insufficient to determine the role of this variant in disease. Therefore, it has been classified as a Variant of Uncertain Significance.